The following is an entry in ClinVar:

ClinVar aggregate classification (germline): Uncertain significance (1 of 4 stars; one submission).

Submission:

ISCA site 15
Classification: Uncertain significance. Last evaluated: 2011-08-12. Review status: criteria provided, single submitter. Criteria: Kaminsky et al. (Genet Med. 2011). Collection method: clinical testing. Allele origin: maternal. Affected: yes. Observed: 1 variant allele.
Comment: Copy number variation identified through the course of routine clinical cytogenomic testing in postnatal populations. Clinical assertions have been curated as described in Kaminsky et al. 2011.

GRCh38/hg38 5p15.1-14.3(chr5:17726921-18415513)x1

Gene: LINC02223 (long intergenic non-protein coding RNA 2223; plus strand). Cytogenetic location: 5p15.1-14.3.
Variant type: copy number loss.
Change: copy number 1 (one copy instead of two) of chr5:17,726,921-18,415,513 (688.6 kb, GRCh38 coordinates, 1-based), cytogenetic band 5p15.1-14.3.
Identifiers: ClinVar variation 60227 (VCV000060227.1).